The following is an entry in ClinVar:

NM_006031.6(PCNT):c.3607+9G>A

Gene: PCNT (pericentrin; plus strand). Cytogenetic location: 21q22.3.
Variant type: single nucleotide variant.
Coding change: c.3607+9G>A on transcript NM_006031.6 (MANE Select); 9 bases into the intron after coding-DNA position 3607, G replaced by A.
Molecular consequence: intron variant.
Genome position (GRCh38, 1-based): chr21:46,388,893, G>A. VCF-style: chr21-46388893-G-A. GRCh37 (hg19) VCF-style: chr21-47808808-G-A.
Other names: c.3253+9G>A (NM_001315529.2).
Identifiers: ClinVar variation 3348483 (VCV003348483.1).

ClinVar aggregate classification (germline): Likely benign (0 of 4 stars; one submission).

Conditions:
PCNT-related disorder. Also called: PCNT-related condition.

gnomAD v4.1: 1 of 1,590,252 alleles (0.000063%); no homozygotes.

Submission:

PreventionGenetics, part of Exact Sciences
Classification: Likely benign for PCNT-related condition. Last evaluated: 2024-03-11. Review status: no assertion criteria provided. Collection method: clinical testing. Allele origin: germline.
Comment: This variant is classified as likely benign based on ACMG/AMP sequence variant interpretation guidelines (Richards et al. 2015 PMID: 25741868, with internal and published modifications).